The following is an entry in ClinVar:

NM_001854.4(COL11A1):c.5145T>A (p.His1715Gln)

Genes: COL11A1 (collagen type XI alpha 1 chain; minus strand), LOC126805814 (P300/CBP strongly-dependent group 1 enhancer GRCh37_chr1:103344928-103346127; plus strand). Cytogenetic location: 1p21.1.
Variant type: single nucleotide variant.
Coding change: c.5145T>A on transcript NM_001854.4 (MANE Select); coding-DNA position 5145, T replaced by A.
Protein change: p.His1715Gln; replaces histidine 1715 with glutamine.
Molecular consequence: missense variant. On other transcripts: non-coding transcript variant (1).
Genome position (GRCh38, 1-based): chr1:102,879,812, A>T on the plus strand (T>A on the coding strand, the complement: COL11A1 is on the minus strand). VCF-style: chr1-102879812-A-T. GRCh37 (hg19) VCF-style: chr1-103345368-A-T.
Other names: c.5028T>A, p.His1676Gln (NM_001190709.2); c.5181T>A, p.His1727Gln (NM_080629.3); c.4797T>A, p.His1599Gln (NM_080630.4); short protein forms H1727Q, H1676Q, H1715Q, H1599Q.
Identifiers: ClinVar variation 3651580 (VCV003651580.3).

ClinVar aggregate classification (germline): Uncertain significance. Review status: criteria provided, multiple submitters, no conflicts (2 of 4 stars). 2 submissions from 2 submitters: Uncertain significance (2). Last evaluated 2024-04-29.

gnomAD v4.1: 1 of 1,614,050 alleles (0.000062%); highest among the groups gnomAD compares: African/African-American, 0.0013%; no homozygotes.

Submissions (2):

Labcorp Genetics (formerly Invitae), Labcorp
Classification: Uncertain significance. Last evaluated: 2024-04-29. Review status: criteria provided, single submitter. Criteria: Invitae Variant Classification Sherloc (09022015). Collection method: clinical testing. Allele origin: germline.
Comment: This sequence change replaces histidine, which is basic and polar, with glutamine, which is neutral and polar, at codon 1715 of the COL11A1 protein (p.His1715Gln). This variant is not present in population databases (gnomAD no frequency). This variant has not been reported in the literature in individuals affected with COL11A1-related conditions. Advanced modeling of protein sequence and biophysical properties (such as structural, functional, and spatial information, amino acid conservation, physicochemical variation, residue mobility, and thermodynamic stability) performed at Invitae indicates that this missense variant is not expected to disrupt COL11A1 protein function with a negative predictive value of 95%. In summary, the available evidence is currently insufficient to determine the role of this variant in disease. Therefore, it has been classified as a Variant of Uncertain Significance.

Blueprint Genetics
Classification: Uncertain significance. Last evaluated: 2020-02-07. Review status: criteria provided, single submitter. Criteria: ACMG Guidelines, 2015. Collection method: clinical testing. Allele origin: germline.